The following is an entry in ClinVar:

ClinVar aggregate classification (germline): Uncertain significance (1 of 4 stars; one submission).

Conditions:
Centromeric instability of chromosomes 1,9 and 16 and immunodeficiency (ICF1). Also called: Immunodeficiency-centromeric instability-facial anomalies; IMMUNE DEFICIENCY, VARIABLE, WITH CENTROMERIC INSTABILITY OF CHROMOSOMES 1, 9, AND 16; IMMUNODEFICIENCY SYNDROME, VARIABLE; CENTROMERIC INSTABILITY, IMMUNODEFICIENCY SYNDROME. Identifiers: Orphanet 2268, MedGen C0398788, MONDO:0000133.

Allele frequency attached by ClinVar (database versions not stated): TOPMed below 0.00001; ExAC 0.00001; gnomAD 0.00001; gnomAD exomes 0.00001.
gnomAD v4.1: 6 of 1,613,874 alleles (0.00037%); highest among the groups gnomAD compares: South Asian, 0.0011%; no homozygotes.

Submission:

Labcorp Genetics (formerly Invitae), Labcorp
Classification: Uncertain significance for Centromeric instability of chromosomes 1,9 and 16 and immunodeficiency. Last evaluated: 2023-12-06. Review status: criteria provided, single submitter. Criteria: Invitae Variant Classification Sherloc (09022015). Collection method: clinical testing. Allele origin: germline.
Comment: This sequence change replaces arginine, which is basic and polar, with tryptophan, which is neutral and slightly polar, at codon 497 of the DNMT3B protein (p.Arg497Trp). The frequency data for this variant in the population databases is considered unreliable, as metrics indicate poor data quality at this position in the gnomAD database. This variant has not been reported in the literature in individuals affected with DNMT3B-related conditions. ClinVar contains an entry for this variant (Variation ID: 1423466). An algorithm developed to predict the effect of missense changes on protein structure and function (PolyPhen-2) suggests that this variant is likely to be disruptive. In summary, the available evidence is currently insufficient to determine the role of this variant in disease. Therefore, it has been classified as a Variant of Uncertain Significance.

NM_006892.4(DNMT3B):c.1489C>T (p.Arg497Trp)

Gene: DNMT3B (DNA methyltransferase 3 beta; plus strand). Cytogenetic location: 20q11.21.
Variant type: single nucleotide variant.
Coding change: c.1489C>T on transcript NM_006892.4 (MANE Select); coding-DNA position 1489, C replaced by T.
Protein change: p.Arg497Trp; replaces arginine 497 with tryptophan.
Molecular consequence: missense variant.
Genome position (GRCh38, 1-based): chr20:32,797,298, C>T. VCF-style: chr20-32797298-C-T. GRCh37 (hg19) VCF-style: chr20-31385104-C-T.
Other names: c.1303C>T, p.Arg435Trp (NM_001207055.2); c.1201C>T, p.Arg401Trp (NM_001207056.2); c.1429C>T, p.Arg477Trp (NM_175848.2, NM_175849.2); c.1465C>T, p.Arg489Trp (NM_175850.3); short protein forms R401W, R435W, R477W, R497W, R489W.
Identifiers: ClinVar variation 1423466 (VCV001423466.8), dbSNP rs757998715, ClinGen allele CA9810600.